The following is an entry in ClinVar:

NM_001102564.3(IFT43):c.449G>A (p.Gly150Glu)

Gene: IFT43 (intraflagellar transport 43; plus strand). Cytogenetic location: 14q24.3.
Variant type: single nucleotide variant.
Coding change: c.449G>A on transcript NM_001102564.3 (MANE Select); coding-DNA position 449, G replaced by A.
Protein change: p.Gly150Glu; replaces glycine 150 with glutamic acid.
Molecular consequence: missense variant. On other transcripts: non-coding transcript variant (2).
Genome position (GRCh38, 1-based): chr14:76,083,231, G>A. VCF-style: chr14-76083231-G-A. GRCh37 (hg19) VCF-style: chr14-76549574-G-A.
Other names: c.464G>A, p.Gly155Glu (NM_052873.3); short protein forms G155E, G150E.
Identifiers: ClinVar variation 2781280 (VCV002781280.2), dbSNP rs750025929, ClinGen allele CA390474516.
Genomic context (GRCh38, chr14:76,083,231, plus strand): 5'-GTTGCCTGAAAGCCCTCAAGGTGCTCAGCCTGACCTTTTTTTGTTTGCATTCACAGGATG[G>A]GGAGATCGACCTGAAACTCCTCACCAAAGTGCTCGCGCCGGAGCACGAAGTCCGGGAGGT-3'
Protein context (NP_001096034.1, residues 140-160): MKYSAIQTLD[Gly150Glu]EIDLKLLTKV

ClinVar aggregate classification (germline): Uncertain significance. Review status: criteria provided, multiple submitters, no conflicts (2 of 4 stars). 2 submissions from 2 submitters: Uncertain significance (2). Last evaluated 2024-05-25.

Conditions:
Retinitis pigmentosa 81 (RP81). Identifiers: MedGen C4693443, MONDO:0036482, OMIM 617871.
Cranioectodermal dysplasia 3 (CED3). Identifiers: Orphanet 1515, MedGen C3279807, MONDO:0013573, OMIM 614099.
Short-rib thoracic dysplasia 18 with polydactyly. Identifiers: MedGen C4693420, MONDO:0036483, OMIM 617866.

Allele frequency attached by ClinVar (database versions not stated): gnomAD 0.00002.
gnomAD v4.1: 11 of 1,614,100 alleles (0.00068%); highest among the groups gnomAD compares: South Asian, 0.0099%; no homozygotes.

Submissions (2):

Fulgent Genetics
Classification: Uncertain significance for Cranioectodermal dysplasia 3; Short-rib thoracic dysplasia 18 with polydactyly; Retinitis pigmentosa 81. Last evaluated: 2024-05-25. Review status: criteria provided, single submitter. Criteria: ACMG Guidelines, 2015. Collection method: clinical testing. Allele origin: germline.

Labcorp Genetics (formerly Invitae), Labcorp
Classification: Uncertain significance. Last evaluated: 2023-05-24. Review status: criteria provided, single submitter. Criteria: Invitae Variant Classification Sherloc (09022015). Collection method: clinical testing. Allele origin: germline.
Comment: This sequence change replaces glycine, which is neutral and non-polar, with glutamic acid, which is acidic and polar, at codon 155 of the IFT43 protein (p.Gly155Glu). This variant is present in population databases (no rsID available, gnomAD 0.003%). This variant has not been reported in the literature in individuals affected with IFT43-related conditions. An algorithm developed to predict the effect of missense changes on protein structure and function (PolyPhen-2) suggests that this variant is likely to be disruptive. In summary, the available evidence is currently insufficient to determine the role of this variant in disease. Therefore, it has been classified as a Variant of Uncertain Significance.